The following is an entry in ClinVar:

NM_017780.4(CHD7):c.2829G>A (p.Glu943=)

Gene: CHD7 (chromodomain helicase DNA binding protein 7; plus strand). Cytogenetic location: 8q12.2.
Variant type: single nucleotide variant.
Coding change: c.2829G>A on transcript NM_017780.4 (MANE Select); coding-DNA position 2829, G replaced by A.
Protein change: p.Glu943=; no amino-acid change (glutamic acid 943 retained).
Molecular consequence: synonymous variant. On other transcripts: intron variant (1).
Genome position (GRCh38, 1-based): chr8:60,821,921, G>A. VCF-style: chr8-60821921-G-A. GRCh37 (hg19) VCF-style: chr8-61734480-G-A.
Other names: c.1717-40308G>A (NM_001316690.1).
Identifiers: ClinVar variation 697972 (VCV000697972.20), dbSNP rs374877439, ClinGen allele CA4759823.

ClinVar aggregate classification (germline): Benign/Likely benign. Review status: criteria provided, multiple submitters, no conflicts (2 of 4 stars). 6 submissions from 6 submitters: Benign (2); Likely benign (3). 1 of the submissions does not count toward it. Last evaluated 2025-12-03.

Conditions:
CHD7-related disorder. Also called: CHD7-related condition.
Inborn genetic diseases. Identifiers: MedGen C0950123, MeSH D030342.
CHARGE syndrome (CHARGE). Also called: Hittner Hirsch Kreh syndrome; CHARGE ASSOCIATION--COLOBOMA, HEART ANOMALY, CHOANAL ATRESIA, RETARDATION, GENITAL AND EAR ANOMALIES; Coloboma, heart anomaly, choanal atresia, retardation, genital and ear anomalies; CHARGE association; Hall-Hittner syndrome. Identifiers: Orphanet 138, MedGen C0265354, MONDO:0008965.

Allele frequency attached by ClinVar (database versions not stated): gnomAD exomes 0.00010; ExAC 0.00018; 1000 Genomes Project 0.00020; 1000 Genomes Project 30x 0.00031; ESP Exome Variant Server 0.00041; gnomAD 0.00046 and 0.00051; TOPMed 0.00050.
gnomAD v4.1: 144 of 1,613,248 alleles (0.0089%); highest among the groups gnomAD compares: African/African-American, 0.17%; no homozygotes.

Submissions (6):

Labcorp Genetics (formerly Invitae), Labcorp
Classification: Benign for CHARGE syndrome. Last evaluated: 2025-12-03. Review status: criteria provided, single submitter. Criteria: Invitae Variant Classification Sherloc (09022015). Collection method: clinical testing. Allele origin: germline.

Blueprint Genetics
Classification: Likely benign. Last evaluated: 2024-08-26. Review status: criteria provided, single submitter. Criteria: ACMG Guidelines, 2015. Collection method: clinical testing. Allele origin: germline.

GeneDx
Classification: Benign. Last evaluated: 2019-03-27. Review status: criteria provided, single submitter. Criteria: GeneDx Variant Classification Process June 2021. Collection method: clinical testing. Allele origin: germline. Affected: yes.

Ambry Genetics
Classification: Likely benign for Inborn genetic diseases. Last evaluated: 2017-12-18. Review status: criteria provided, single submitter. Criteria: Ambry Variant Classification Scheme 2023. Collection method: clinical testing. Allele origin: germline.

Laboratory for Molecular Medicine, Mass General Brigham Personalized Medicine
Classification: Likely benign. Last evaluated: 2017-08-23. Review status: criteria provided, single submitter. Criteria: LMM Criteria. Collection method: clinical testing. Allele origin: germline. Observed: 1 variant allele.
Comment: p.Glu943Glu in exon 10 of CHD7: This variant is not expected to have clinical significance because it does not alter an amino acid residue and is not located within the splice consensus sequence. It has been identified in 0.22% (19/8698) of African chromosomes by the Exome Aggregation Consortium (ExAC; dbSNP rs374877439).

PreventionGenetics, part of Exact Sciences
Classification: Likely benign for CHD7-related condition. Last evaluated: 2021-03-02. Review status: no assertion criteria provided. Collection method: clinical testing. Allele origin: germline. Not counted in ClinVar's aggregate classification.
Comment: This variant is classified as likely benign based on ACMG/AMP sequence variant interpretation guidelines (Richards et al. 2015 PMID: 25741868, with internal and published modifications).